The following is an entry in ClinVar:

ClinVar aggregate classification (germline): Benign/Likely benign. Review status: criteria provided, multiple submitters, no conflicts (2 of 4 stars). 5 submissions from 5 submitters: Benign (2); Likely benign (2). 1 of the submissions does not count toward it. Last evaluated 2026-01-19.

Conditions:
PC-related disorder. Also called: PC-related condition.
Pyruvate carboxylase deficiency. Also called: ATAXIA WITH LACTIC ACIDOSIS II; LEIGH NECROTIZING ENCEPHALOPATHY DUE TO PYRUVATE CARBOXYLASE DEFICIENCY; LEIGH SYNDROME DUE TO PYRUVATE CARBOXYLASE DEFICIENCY; PC DEFICIENCY; Pyruvate Carboxylase Deficiency Disease. Identifiers: Orphanet 3008, MedGen C0034341, MONDO:0009949, OMIM 266150.

Allele frequency attached by ClinVar (database versions not stated): ESP Exome Variant Server 0.00015; gnomAD 0.00028 and 0.00032; TOPMed 0.00039; ExAC 0.00059; gnomAD exomes 0.00070; 1000 Genomes Project 30x 0.00078; 1000 Genomes Project 0.00080.
gnomAD v4.1: 283 of 1,613,506 alleles (0.018%); highest among the groups gnomAD compares: East Asian, 0.53%; 1 homozygote.

Submissions (5):

Labcorp Genetics (formerly Invitae), Labcorp
Classification: Benign for Pyruvate carboxylase deficiency. Last evaluated: 2026-01-19. Review status: criteria provided, single submitter. Criteria: Invitae Variant Classification Sherloc (09022015). Collection method: clinical testing. Allele origin: germline.

Blueprint Genetics
Classification: Likely benign. Last evaluated: 2024-05-30. Review status: criteria provided, single submitter. Criteria: ACMG Guidelines, 2015. Collection method: clinical testing. Allele origin: germline.

GeneDx
Classification: Benign. Last evaluated: 2020-12-09. Review status: criteria provided, single submitter. Criteria: GeneDx Variant Classification Process June 2021. Collection method: clinical testing. Allele origin: germline. Affected: yes.

Illumina Laboratory Services, Illumina
Classification: Likely benign for Pyruvate carboxylase deficiency. Last evaluated: 2018-01-13. Review status: criteria provided, single submitter. Criteria: ICSL Variant Classification Criteria 13 December 2019. Collection method: clinical testing. Allele origin: germline.
Comment: This variant was observed in the ICSL laboratory as part of a predisposition screen in an ostensibly healthy population. It had not been previously curated by ICSL or reported in the Human Gene Mutation Database (HGMD: prior to June 1st, 2018), and was therefore a candidate for classification through an automated scoring system. Utilizing variant allele frequency, disease prevalence and penetrance estimates, and inheritance mode, an automated score was calculated to assess if this variant is too frequent to cause the disease. Based on the score and internal cut-off values, a variant classified as likely benign is not then subjected to further curation. The score for this variant resulted in a classification of likely benign for this disease.

PreventionGenetics, part of Exact Sciences
Classification: Benign for PC-related condition. Last evaluated: 2019-11-21. Review status: no assertion criteria provided. Collection method: clinical testing. Allele origin: germline. Not counted in ClinVar's aggregate classification.
Comment: This variant is classified as benign based on ACMG/AMP sequence variant interpretation guidelines (Richards et al. 2015 PMID: 25741868, with internal and published modifications).

NM_001040716.2(PC):c.1401C>T (p.Asn467=)

Gene: PC (pyruvate carboxylase; minus strand). Cytogenetic location: 11q13.2.
Variant type: single nucleotide variant.
Coding change: c.1401C>T on transcript NM_001040716.2 (MANE Select); coding-DNA position 1401, C replaced by T.
Protein change: p.Asn467=; no amino-acid change (asparagine 467 retained).
Molecular consequence: synonymous variant.
Genome position (GRCh38, 1-based): chr11:66,853,351, G>A on the plus strand (C>T on the coding strand, the complement: PC is on the minus strand). VCF-style: chr11-66853351-G-A. GRCh37 (hg19) VCF-style: chr11-66620822-G-A.
Other names: c.1401C>T, p.Asn467= (NM_000920.4, NM_022172.3); c.1401C>T (NM_001040716.1).
Identifiers: ClinVar variation 305626 (VCV000305626.19), dbSNP rs45623237, ClinGen allele CA6131404.